The following is an entry in ClinVar:

ClinVar aggregate classification (germline): Uncertain significance (1 of 4 stars; one submission).

Conditions:
Neuropathy, hereditary sensory, type 2C. Also called: Hereditary sensory and autonomic neuropathy type IIC; KIF1A-Related HSAN2 (HSAN2C). Identifiers: Orphanet 970, MedGen C3280168, MONDO:0013634, OMIM 614213.
Intellectual disability, autosomal dominant 9 (NESCAVS). Also called: NESCAV SYNDROME; KIF1A-Related Neurodevelopmental Disorder. Identifiers: Orphanet 662367, MedGen C5393830, MONDO:0013656, OMIM 614255.
Hereditary spastic paraplegia 30. Identifiers: Orphanet 101010, MedGen C5235139, MONDO:0012476.

Allele frequency attached by ClinVar (database versions not stated): gnomAD exomes below 0.00001.
gnomAD v4.1: 4 of 1,535,834 alleles (0.00026%); highest among the groups gnomAD compares: Non-Finnish European, 0.00018%; no homozygotes.

Submission:

Labcorp Genetics (formerly Invitae), Labcorp
Classification: Uncertain significance for Hereditary spastic paraplegia 30; Neuropathy, hereditary sensory, type 2C; Intellectual disability, autosomal dominant 9. Last evaluated: 2025-10-06. Review status: criteria provided, single submitter. Criteria: Invitae Variant Classification Sherloc (09022015). Collection method: clinical testing. Allele origin: germline.
Comment: This sequence change replaces arginine, which is basic and polar, with histidine, which is basic and polar, at codon 1342 of the KIF1A protein (p.Arg1342His). This variant is not present in population databases (gnomAD no frequency). This variant has not been reported in the literature in individuals affected with KIF1A-related conditions. ClinVar contains an entry for this variant (Variation ID: 2148115). Invitae Evidence Modeling of protein sequence and biophysical properties (such as structural, functional, and spatial information, amino acid conservation, physicochemical variation, residue mobility, and thermodynamic stability) indicates that this missense variant is not expected to disrupt KIF1A protein function with a negative predictive value of 95%. In summary, the available evidence is currently insufficient to determine the role of this variant in disease. Therefore, it has been classified as a Variant of Uncertain Significance.

NM_001244008.2(KIF1A):c.4328G>A (p.Arg1443His)

Gene: KIF1A (kinesin family member 1A; minus strand). Cytogenetic location: 2q37.3.
Variant type: single nucleotide variant.
Coding change: c.4328G>A on transcript NM_001244008.2 (MANE Select); coding-DNA position 4328, G replaced by A.
Protein change: p.Arg1443His; replaces arginine 1443 with histidine.
Molecular consequence: missense variant.
Genome position (GRCh38, 1-based): chr2:240,723,549, C>T on the plus strand (G>A on the coding strand, the complement: KIF1A is on the minus strand). VCF-style: chr2-240723549-C-T. GRCh37 (hg19) VCF-style: chr2-241662966-C-T.
Other names: c.4052G>A, p.Arg1351His (NM_001320705.2, NM_001379649.1); c.4079G>A, p.Arg1360His (NM_001330289.2); c.4127G>A, p.Arg1376His (NM_001330290.2, NM_001379648.1); c.4403G>A, p.Arg1468His (NM_001379631.1); c.4304G>A, p.Arg1435His (NM_001379632.1); c.4301G>A, p.Arg1434His (NM_001379633.1, NM_001379645.1); c.4154G>A, p.Arg1385His (NM_001379634.1); c.4151G>A, p.Arg1384His (NM_001379635.1, NM_001379646.1); and 7 more; short protein forms R1341H, R1380H, R1434H, R1435H, R1342H, R1360H, R1367H, R1384H.
Identifiers: ClinVar variation 2148115 (VCV002148115.4), dbSNP rs1288987129, ClinGen allele CA351305679.
Genomic context (GRCh38, chr2:240,723,549, plus strand): 5'-GCCAGGTTCTCCTCGCCCCGGACATAGGCCACAGATGTGTCCAGGACTCGTCGGCGCCGG[C>T]GCTGCATCCCTGCATGGGGCACGTGGACATTCCACCCCTACCTGATGGGTGGCTGCTCCT-3'
Protein context (NP_001230937.1, residues 1433-1453): VADAGSPGMQ[Arg1443His]RRRRVLDTSV